The following is an entry in ClinVar:

ClinVar aggregate classification (germline): Pathogenic/Likely pathogenic. Review status: criteria provided, multiple submitters, no conflicts (2 of 4 stars). 4 submissions from 4 submitters: Pathogenic (3); Likely pathogenic (1). Last evaluated 2024-05-20.

Conditions:
Nemaline myopathy. Also called: Myopathies, Nemaline. Identifiers: Orphanet 607, MedGen C0206157, MONDO:0018958.
Nemaline myopathy 2 (NEM2). Also called: Nemaline myopathy 2, autosomal recessive. Identifiers: MedGen C1850569, MONDO:0009725, OMIM 256030.
Arthrogryposis multiplex congenita 6. Identifiers: MedGen C5543431, MONDO:0030281, OMIM 619334.

Allele frequency attached by ClinVar (database versions not stated): gnomAD exomes below 0.00001; ExAC 0.00001.
gnomAD v4.1: 1 of 1,606,438 alleles (0.000062%); highest among the groups gnomAD compares: Non-Finnish European, 0.000085%; no homozygotes.

Submissions (4):

Labcorp Genetics (formerly Invitae), Labcorp
Classification: Pathogenic for Nemaline myopathy 2. Last evaluated: 2024-05-20. Review status: criteria provided, single submitter. Criteria: Invitae Variant Classification Sherloc (09022015). Collection method: clinical testing. Allele origin: germline.
Comment: This sequence change creates a premature translational stop signal (p.Glu6852*) in the NEB gene. It is expected to result in an absent or disrupted protein product. Loss-of-function variants in NEB are known to be pathogenic (PMID: 25205138). The frequency data for this variant in the population databases is considered unreliable, as metrics indicate poor data quality at this position in the gnomAD database. This premature translational stop signal has been observed in individual(s) with nemaline myopathy (PMID: 25205138). ClinVar contains an entry for this variant (Variation ID: 632920). For these reasons, this variant has been classified as Pathogenic.

Fulgent Genetics
Classification: Pathogenic for Nemaline myopathy 2; Arthrogryposis multiplex congenita 6. Last evaluated: 2024-03-13. Review status: criteria provided, single submitter. Criteria: ACMG Guidelines, 2015. Collection method: clinical testing. Allele origin: germline.

GeneDx
Classification: Pathogenic. Last evaluated: 2021-04-02. Review status: criteria provided, single submitter. Criteria: GeneDx Variant Classification Process June 2021. Collection method: clinical testing. Allele origin: germline. Affected: yes.
Comment: Nonsense variant predicted to result in protein truncation or nonsense mediated decay in a gene for which loss-of-function is a known mechanism of disease; Not observed at a significant frequency in large population cohorts (Lek et al., 2016); Identified in a patient with nemaline myopathy who also possessed a second nonsense variant in NEB in the published literature (Lehtokari et al., 2014); This variant is associated with the following publications: (PMID: 25205138)

Women's Health and Genetics/Laboratory Corporation of America, LabCorp
Classification: Likely pathogenic for Nemaline myopathy. Last evaluated: 2017-11-02. Review status: criteria provided, single submitter. Criteria: LabCorp Variant Classification Summary - May 2015. Collection method: clinical testing. Allele origin: germline.
Comment: Variant summary: The NEB c.20554G>T (p.Glu6852*) variant results in a premature termination codon, predicted to cause a truncated or absent NEB protein due to nonsense mediated decay, which are commonly known mechanisms for disease. Truncations downstream of this position have been classified as pathogenic by our laboratory (e.g. c.24559C>T, p.Arg8187*; c.24632_24633delCT, p.Pro8211fs*4). One in silico tool predicts a damaging outcome for this variant. This variant was found in 1/99000 control chromosomes in ExAC at a frequency of 0.0000101, which does not exceed the estimated maximal expected allele frequency of a pathogenic NEB variant (0.0035355). This variant has been reported in one nemaline myopathy patient in compound heterozygosity with NEB c.25241T>G, p.Leu8414* (Lehtokari_2014). Taken together, this variant is classified as likely pathogenic.

Literature cited by the submitters: PubMed 25205138 (cited by Labcorp Genetics (formerly Invitae), Labcorp).

NM_001164508.2(NEB):c.20554G>T (p.Glu6852Ter)

Gene: NEB (nebulin; minus strand). Cytogenetic location: 2q23.3.
Variant type: single nucleotide variant.
Coding change: c.20554G>T on transcript NM_001164508.2 (MANE Select); coding-DNA position 20554, G replaced by T.
Protein change: p.Glu6852Ter; replaces glutamic acid 6852 with a stop codon.
Molecular consequence: nonsense.
Genome position (GRCh38, 1-based): chr2:151,545,911, C>A on the plus strand (G>T on the coding strand, the complement: NEB is on the minus strand). VCF-style: chr2-151545911-C-A. GRCh37 (hg19) VCF-style: chr2-152402425-C-A.
Other names: c.20554G>T, p.Glu6852Ter (NM_001164507.2, NM_001271208.2); c.15451G>T, p.Glu5151Ter (NM_004543.5); short protein forms E6852*, E5151*.
Identifiers: ClinVar variation 632920 (VCV000632920.12), dbSNP rs777819332, ClinGen allele CA1907244.